The following is an entry in ClinVar:

NM_005235.3(ERBB4):c.858A>G (p.Gly286=)

Gene: ERBB4 (erb-b2 receptor tyrosine kinase 4; minus strand). Cytogenetic location: 2q34.
Variant type: single nucleotide variant.
Coding change: c.858A>G on transcript NM_005235.3 (MANE Select); coding-DNA position 858, A replaced by G.
Protein change: p.Gly286=; no amino-acid change (glycine 286 retained).
Molecular consequence: synonymous variant.
Genome position (GRCh38, 1-based): chr2:211,722,418, T>C on the plus strand (A>G on the coding strand, the complement: ERBB4 is on the minus strand). VCF-style: chr2-211722418-T-C. GRCh37 (hg19) VCF-style: chr2-212587143-T-C.
Other names: c.858A>G, p.Gly286= (NM_001042599.2).
Identifiers: ClinVar variation 3052412 (VCV003052412.2), dbSNP rs748235433, ClinGen allele CA2088321.

ClinVar aggregate classification (germline): Likely benign (0 of 4 stars; one submission).

Conditions:
ERBB4-related disorder. Also called: ERBB4-related condition.

Allele frequency attached by ClinVar (database versions not stated): TOPMed below 0.00001; gnomAD 0.00001; gnomAD exomes 0.00001; ExAC 0.00002.
gnomAD v4.1: 12 of 1,613,602 alleles (0.00074%); highest among the groups gnomAD compares: Non-Finnish European, 0.001%; no homozygotes.

Submission:

PreventionGenetics, part of Exact Sciences
Classification: Likely benign for ERBB4-related condition. Last evaluated: 2023-08-04. Review status: no assertion criteria provided. Collection method: clinical testing. Allele origin: germline.
Comment: This variant is classified as likely benign based on ACMG/AMP sequence variant interpretation guidelines (Richards et al. 2015 PMID: 25741868, with internal and published modifications).